The following is an entry in ClinVar:

ClinVar aggregate classification (germline): Uncertain significance (1 of 4 stars; one submission).

Conditions:
Cardiovascular phenotype. Identifiers: MedGen CN230736.

gnomAD v4.1: 1 of 1,601,238 alleles (0.000062%); highest among the groups gnomAD compares: African/African-American, 0.0013%; no homozygotes.

Submission:

Ambry Genetics
Classification: Uncertain significance for Cardiovascular phenotype. Last evaluated: 2025-06-17. Review status: criteria provided, single submitter. Criteria: Ambry Variant Classification Scheme 2023. Collection method: clinical testing. Allele origin: germline.
Comment: The p.P208S variant (also known as c.622C>T), located in coding exon 5 of the GATAD1 gene, results from a C to T substitution at nucleotide position 622. The proline at codon 208 is replaced by serine, an amino acid with similar properties. This amino acid position is conserved. In addition, this alteration is predicted to be deleterious by in silico analysis. Based on the available evidence, the clinical significance of this variant remains unclear.

NM_021167.5(GATAD1):c.622C>T (p.Pro208Ser)

Gene: GATAD1 (GATA zinc finger domain containing 1; plus strand). Cytogenetic location: 7q21.2.
Variant type: single nucleotide variant.
Coding change: c.622C>T on transcript NM_021167.5 (MANE Select); coding-DNA position 622, C replaced by T.
Protein change: p.Pro208Ser; replaces proline 208 with serine.
Molecular consequence: missense variant. On other transcripts: non-coding transcript variant (1).
Genome position (GRCh38, 1-based): chr7:92,456,374, C>T. VCF-style: chr7-92456374-C-T. GRCh37 (hg19) VCF-style: chr7-92085688-C-T.
Other names: short protein forms P208S.
Identifiers: ClinVar variation 3280861 (VCV003280861.2).